The following is an entry in ClinVar:

NM_001354483.2(CSGALNACT1):c.1195C>A (p.His399Asn)

Gene: CSGALNACT1 (chondroitin sulfate N-acetylgalactosaminyltransferase 1; minus strand). Cytogenetic location: 8p21.3.
Variant type: single nucleotide variant.
Coding change: c.1195C>A on transcript NM_001354483.2 (MANE Select); coding-DNA position 1195, C replaced by A.
Protein change: p.His399Asn; replaces histidine 399 with asparagine.
Molecular consequence: missense variant. On other transcripts: non-coding transcript variant (7).
Genome position (GRCh38, 1-based): chr8:19,418,688, G>T on the plus strand (C>A on the coding strand, the complement: CSGALNACT1 is on the minus strand). VCF-style: chr8-19418688-G-T. GRCh37 (hg19) VCF-style: chr8-19276199-G-T.
Other names: c.1195C>A, p.His399Asn (NM_001130518.2, NM_001354475.2, NM_001354476.2 and 18 more transcripts); c.1195C>A (NM_001130518.1); short protein forms H399N.
Identifiers: ClinVar variation 1462828 (VCV001462828.9), dbSNP rs1462946421, ClinGen allele CA370459373.

ClinVar aggregate classification (germline): Uncertain significance. Review status: criteria provided, multiple submitters, no conflicts (2 of 4 stars). 2 submissions from 2 submitters: Uncertain significance (2). Last evaluated 2025-02-11.

Conditions:
Inborn genetic diseases. Identifiers: MedGen C0950123, MeSH D030342.

Allele frequency attached by ClinVar (database versions not stated): gnomAD exomes below 0.00001; gnomAD 0.00001; TOPMed 0.00002.
gnomAD v4.1: 24 of 1,613,268 alleles (0.0015%); highest among the groups gnomAD compares: Admixed American, 0.0033%; no homozygotes.

Submissions (2):

Ambry Genetics
Classification: Uncertain significance for Inborn genetic diseases. Last evaluated: 2025-02-11. Review status: criteria provided, single submitter. Criteria: Ambry Variant Classification Scheme 2023. Collection method: clinical testing. Allele origin: germline.

Labcorp Genetics (formerly Invitae), Labcorp
Classification: Uncertain significance. Last evaluated: 2021-05-31. Review status: criteria provided, single submitter. Criteria: Invitae Variant Classification Sherloc (09022015). Collection method: clinical testing. Allele origin: germline.
Comment: In summary, the available evidence is currently insufficient to determine the role of this variant in disease. Therefore, it has been classified as a Variant of Uncertain Significance. Algorithms developed to predict the effect of missense changes on protein structure and function (SIFT, PolyPhen-2, Align-GVGD) all suggest that this variant is likely to be tolerated, but these predictions have not been confirmed by published functional studies and their clinical significance is uncertain. This variant has not been reported in the literature in individuals with CSGALNACT1-related conditions. This variant is not present in population databases (ExAC no frequency). This sequence change replaces histidine with asparagine at codon 399 of the CSGALNACT1 protein (p.His399Asn). The histidine residue is moderately conserved and there is a small physicochemical difference between histidine and asparagine.